The following is an entry in ClinVar:

ClinVar aggregate classification (germline): Uncertain significance (1 of 4 stars; one submission).

Conditions:
Dilated cardiomyopathy 1JJ (CMD1JJ). Identifiers: Orphanet 154, MedGen C3808935, MONDO:0014095, OMIM 615235.

gnomAD v4.1: 1 of 1,614,124 alleles (0.000062%); highest among the groups gnomAD compares: Non-Finnish European, 0.000085%; no homozygotes.

Submission:

Labcorp Genetics (formerly Invitae), Labcorp
Classification: Uncertain significance for Dilated cardiomyopathy 1JJ. Last evaluated: 2026-02-01. Review status: criteria provided, single submitter. Criteria: Invitae Variant Classification Sherloc (09022015). Collection method: clinical testing. Allele origin: germline.
Comment: This sequence change replaces aspartic acid, which is acidic and polar, with glycine, which is neutral and non-polar, at codon 832 of the LAMA4 protein (p.Asp832Gly). This variant is not present in population databases (gnomAD no frequency). This variant has not been reported in the literature in individuals affected with LAMA4-related conditions. Invitae Evidence Modeling of protein sequence and biophysical properties (such as structural, functional, and spatial information, amino acid conservation, physicochemical variation, residue mobility, and thermodynamic stability) indicates that this missense variant is not expected to disrupt LAMA4 protein function with a negative predictive value of 80%. In summary, the available evidence is currently insufficient to determine the role of this variant in disease. Therefore, it has been classified as a Variant of Uncertain Significance.

NM_001105206.3(LAMA4):c.2516A>G (p.Asp839Gly)

Gene: LAMA4 (laminin subunit alpha 4; minus strand). Cytogenetic location: 6q21.
Variant type: single nucleotide variant.
Coding change: c.2516A>G on transcript NM_001105206.3 (MANE Select); coding-DNA position 2516, A replaced by G.
Protein change: p.Asp839Gly; replaces aspartic acid 839 with glycine.
Molecular consequence: missense variant.
Genome position (GRCh38, 1-based): chr6:112,142,270, T>C on the plus strand (A>G on the coding strand, the complement: LAMA4 is on the minus strand). VCF-style: chr6-112142270-T-C. GRCh37 (hg19) VCF-style: chr6-112463472-T-C.
Other names: c.2495A>G, p.Asp832Gly (NM_001105207.3, NM_002290.5); short protein forms D839G, D832G.
Identifiers: ClinVar variation 4741569 (VCV004741569.1).